The following is an entry in ClinVar:

NM_032383.5(HPS3):c.2526C>T (p.His842=)

Genes: CP (ceruloplasmin; minus strand), HPS3 (HPS3 biogenesis of lysosomal organelles complex 2 subunit 1; plus strand). Cytogenetic location: 3q24.
Variant type: single nucleotide variant.
Coding change: c.2526C>T on transcript NM_032383.5 (MANE Select); coding-DNA position 2526, C replaced by T.
Protein change: p.His842=; no amino-acid change (histidine 842 retained).
Molecular consequence: synonymous variant.
Genome position (GRCh38, 1-based): chr3:149,163,886, C>T. VCF-style: chr3-149163886-C-T. GRCh37 (hg19) VCF-style: chr3-148881673-C-T.
Other names: p.His842=; c.2031C>T, p.His677= (NM_001308258.2).
Identifiers: ClinVar variation 163669 (VCV000163669.26), dbSNP rs3732557, ClinGen allele CA176296.

ClinVar aggregate classification (germline): Benign/Likely benign. Review status: criteria provided, multiple submitters, no conflicts (2 of 4 stars). 10 submissions from 10 submitters: Benign (8); Likely benign (1). 1 of the submissions does not count toward it. Last evaluated 2026-02-04.

Conditions:
Hermansky-Pudlak syndrome (HPS). Also called: ALBINISM WITH HEMORRHAGIC DIATHESIS AND PIGMENTED RETICULOENDOTHELIAL CELLS. Identifiers: Orphanet 79430, MedGen C0079504, MONDO:0019312.
Hermansky-Pudlak syndrome 3 (HPS3). Identifiers: Orphanet 231512, Orphanet 79430, MedGen C3888001, MONDO:0013555, OMIM 614072.

Allele frequency attached by ClinVar (database versions not stated): ESP Exome Variant Server 0.14062; TOPMed 0.14313; 1000 Genomes Project 30x 0.14834; 1000 Genomes Project 0.15535; gnomAD 0.15600 and 0.15919; gnomAD exomes 0.18579; ExAC 0.18704.
gnomAD v4.1: 291,587 of 1,567,320 alleles (19%); highest among the groups gnomAD compares: East Asian, 26%; 29,903 homozygotes.

Submissions (10):

Labcorp Genetics (formerly Invitae), Labcorp
Classification: Benign. Last evaluated: 2026-02-04. Review status: criteria provided, single submitter. Criteria: Invitae Variant Classification Sherloc (09022015). Collection method: clinical testing. Allele origin: germline.

Blueprint Genetics
Classification: Likely benign. Last evaluated: 2024-11-26. Review status: criteria provided, single submitter. Criteria: ACMG Guidelines, 2015. Collection method: clinical testing. Allele origin: germline.

Mayo Clinic Laboratories, Mayo Clinic
Classification: Benign. Last evaluated: 2022-09-29. Review status: criteria provided, single submitter. Criteria: ACMG Guidelines, 2015. Collection method: clinical testing. Allele origin: germline. Observed: 180 variant alleles.

Genome-Nilou Lab
Classification: Benign for Hermansky-Pudlak syndrome 3. Last evaluated: 2021-07-10. Review status: criteria provided, single submitter. Criteria: ACMG Guidelines, 2015. Collection method: clinical testing. Allele origin: germline. Affected: no.

GeneDx
Classification: Benign. Last evaluated: 2018-07-05. Review status: criteria provided, single submitter. Criteria: GeneDx Variant Classification Process June 2021. Collection method: clinical testing. Allele origin: germline. Affected: yes.

Illumina Laboratory Services, Illumina
Classification: Benign for Hermansky-Pudlak syndrome 3. Last evaluated: 2018-01-13. Review status: criteria provided, single submitter. Criteria: ICSL Variant Classification Criteria 13 December 2019. Collection method: clinical testing. Allele origin: germline.
Comment: This variant was observed in the ICSL laboratory as part of a predisposition screen in an ostensibly healthy population. It had not been previously curated by ICSL or reported in the Human Gene Mutation Database (HGMD: prior to June 1st, 2018), and was therefore a candidate for classification through an automated scoring system. Utilizing variant allele frequency, disease prevalence and penetrance estimates, and inheritance mode, an automated score was calculated to assess if this variant is too frequent to cause the disease. Based on the score and internal cut-off values, a variant classified as benign is not then subjected to further curation. The score for this variant resulted in a classification of benign for this disease.

Laboratory for Molecular Medicine, Mass General Brigham Personalized Medicine
Classification: Benign. Last evaluated: 2013-02-21. Review status: criteria provided, single submitter. Criteria: LMM Criteria. Collection method: clinical testing. Allele origin: germline. Observed: 28 variant alleles.
Comment: His842His in exon 14 of HPS3: This variant is not expected to have clinical sign ificance because it does not alter an amino acid residue and is not located with in the splice consensus sequence. It has been identified in 18.9% (1627/8596) of European American chromosomes from a broad population by the NHLBI Exome Sequen cing Project (dbSNP rs3732557).

Breakthrough Genomics
Classification: Benign. Review status: criteria provided, single submitter. Criteria: ACMG Guidelines, 2015. Collection method: not provided. Allele origin: germline. Inheritance: Autosomal recessive inheritance. Affected: yes.

PreventionGenetics, part of Exact Sciences
Classification: Benign. Review status: criteria provided, single submitter. Criteria: ACMG Guidelines, 2015. Collection method: clinical testing. Allele origin: germline.

Natera, Inc.
Classification: Benign for Hermansky-Pudlak syndrome. Last evaluated: 2020-09-16. Review status: no assertion criteria provided. Collection method: clinical testing. Allele origin: germline. Not counted in ClinVar's aggregate classification.